The following is an entry in ClinVar:

NM_003283.6(TNNT1):c.31_32+1del

Gene: TNNT1 (troponin T1, slow skeletal type; minus strand). Cytogenetic location: 19q13.42.
Variant type: Microsatellite.
Coding change: c.31_32+1del on transcript NM_003283.6 (MANE Select); coding-DNA position 31 through the canonical splice donor site of the intron after coding-DNA position 32, 3 bases deleted (GAG; older notation c.31_32+1delGAG).
Molecular consequence: splice donor variant.
Genome position (GRCh38, 1-based): chr19:55,147,125-55,147,127, CTC deleted on the plus strand (GAG on the coding strand, the reverse complement: TNNT1 is on the minus strand); deleting any 3 consecutive bases within chr19:55,147,125-55,147,130 gives the same sequence; the c. name uses the placement nearest the transcript's 3' end. VCF-style (leftmost placement, unchanged base first): chr19-55147124-ACTC-A. GRCh37 (hg19) VCF-style: chr19-55658492-ACTC-A.
Other names: c.31_32+1del (NM_001126133.3, NM_001126132.3, NM_001291774.2).
Identifiers: ClinVar variation 497007 (VCV000497007.14), dbSNP rs944152647, ClinGen allele CA310140416.

ClinVar aggregate classification (germline): Conflicting classifications of pathogenicity. Review status: criteria provided, conflicting classifications (1 of 4 stars). 2 submissions from 2 submitters: Pathogenic (1); Uncertain significance (1). Last evaluated 2022-07-25.

Conditions:
Nemaline myopathy 5 (NEM5A). Also called: NEMALINE MYOPATHY 5A, AUTOSOMAL RECESSIVE, SEVERE INFANTILE; Nemaline myopathy 5, Amish type; NEMALINE MYOPATHY, AMISH TYPE. Identifiers: Orphanet 98902, MedGen C1854380, MONDO:0011539, OMIM 605355.

Submissions (2):

Labcorp Genetics (formerly Invitae), Labcorp
Classification: Uncertain significance for Nemaline myopathy 5. Last evaluated: 2022-07-25. Review status: criteria provided, single submitter. Criteria: Invitae Variant Classification Sherloc (09022015). Collection method: clinical testing. Allele origin: germline.
Comment: This variant, c.30_32delGGA, results in the deletion of 1 amino acid(s) of the TNNT1 protein (p.Glu12del), but otherwise preserves the integrity of the reading frame. This variant is present in population databases (no rsID available, gnomAD 0.007%). This variant has not been reported in the literature in individuals affected with TNNT1-related conditions. Experimental studies and prediction algorithms are not available or were not evaluated, and the functional significance of this variant is currently unknown. Algorithms developed to predict the effect of sequence changes on RNA splicing suggest that this variant may disrupt the consensus splice site. In summary, the available evidence is currently insufficient to determine the role of this variant in disease. Therefore, it has been classified as a Variant of Uncertain Significance.

Eurofins Ntd Llc (ga)
Classification: Pathogenic. Last evaluated: 2015-12-08. Review status: criteria provided, single submitter. Criteria: EGL Classification Definitions 2015. Collection method: clinical testing. Allele origin: germline. Observed: 3 variant alleles, 1 heterozygote.